The following is an entry in ClinVar:

ClinVar aggregate classification (germline): Likely benign. Review status: criteria provided, multiple submitters, no conflicts (2 of 4 stars). 2 submissions from 2 submitters: Likely benign (2). Last evaluated 2026-09-21.

Conditions:
Cardiomyopathy (CMYO). Also called: Cardiomyopathies. Identifiers: Orphanet 167848, MedGen C0878544, MONDO:0004994, HP:0001638. Inheritance: Various modes of inheritance.

Submissions (2):

Molecular Diagnostic Laboratory for Inherited Cardiovascular Disease, Montreal Heart Institute
Classification: Likely benign. Last evaluated: 2026-09-21. Review status: criteria provided, single submitter. Criteria: ACMG Guidelines, 2015. Collection method: clinical testing. Allele origin: germline. Affected: no.
Comment: BP1

CHEO Genetics Diagnostic Laboratory, Children's Hospital of Eastern Ontario
Classification: Likely benign for Cardiomyopathy. Last evaluated: 2023-06-08. Review status: criteria provided, single submitter. Criteria: ACMG Guidelines, 2015. Collection method: clinical testing. Allele origin: germline.

NM_001267550.2(TTN):c.20908A>C (p.Lys6970Gln)

Genes: TTN (titin; minus strand), LOC126806428 (BRD4-independent group 4 enhancer GRCh37_chr2:179588362-179589561; plus strand). Cytogenetic location: 2q31.2.
Variant type: single nucleotide variant.
Coding change: c.20908A>C on transcript NM_001267550.2 (MANE Select); coding-DNA position 20908, A replaced by C.
Protein change: p.Lys6970Gln; replaces lysine 6970 with glutamine.
Molecular consequence: missense variant. On other transcripts: intron variant (3).
Genome position (GRCh38, 1-based): chr2:178,724,467, T>G on the plus strand (A>C on the coding strand, the complement: TTN is on the minus strand). VCF-style: chr2-178724467-T-G. GRCh37 (hg19) VCF-style: chr2-179589194-T-G.
Other names: c.19957A>C, p.Lys6653Gln (NM_001256850.1); c.17176A>C, p.Lys5726Gln (NM_133378.4); c.13282+13615A>C (NM_003319.4); c.13858+13615A>C (NM_133437.4); c.13657+13615A>C (NM_133432.3); short protein forms K5726Q, K6653Q, K6970Q.
Identifiers: ClinVar variation 2691064 (VCV002691064.2), dbSNP rs2529628175, ClinGen allele CA349539659.